The following is an entry in ClinVar:

NM_007294.4(BRCA1):c.16C>A (p.Leu6Ile)

Gene: BRCA1 (BRCA1 DNA repair associated; minus strand). Cytogenetic location: 17q21.31.
Variant type: single nucleotide variant.
Coding change: c.16C>A on transcript NM_007294.4 (MANE Select); coding-DNA position 16, C replaced by A.
Protein change: p.Leu6Ile; replaces leucine 6 with isoleucine.
Molecular consequence: missense variant. On other transcripts: non-coding transcript variant (1), 5 prime UTR variant (1).
Genome position (GRCh38, 1-based): chr17:43,124,081, G>T on the plus strand (C>A on the coding strand, the complement: BRCA1 is on the minus strand). VCF-style: chr17-43124081-G-T. GRCh37 (hg19) VCF-style: chr17-41276098-G-T.
Other names: c.16C>A, p.Leu6Ile (NM_007298.4, NM_007299.4, NM_007300.4 and 193 more transcripts); c.-173C>A (NM_001407571.1, NM_001407853.1, NM_001407879.1 and 46 more transcripts); c.-242C>A (NM_001407694.1, NM_001407724.1, NM_001407727.1 and 11 more transcripts); c.-246C>A (NM_001407695.1, NM_001408465.1); c.-387C>A (NM_001407696.1); c.-271C>A (NM_001407697.1, NM_001407846.1, NM_001407920.1); c.-72C>A (NM_001407698.1, NM_001407732.1, NM_001407736.1 and 23 more transcripts); c.-245C>A (NM_001407725.1, NM_001407730.1, NM_001407734.1 and 22 more transcripts); and 8 more; short protein forms L6I.
Identifiers: ClinVar variation 868696 (VCV000868696.3), dbSNP rs1315262605, ClinGen allele CA10602129.

Conditions:
Breast-ovarian cancer, familial, susceptibility to, 1 (BROVCA1). Also called: BRCA1 Hereditary Breast and Ovarian Cancer; OVARIAN CANCER, SUSCEPTIBILITY TO. Identifiers: Orphanet 145, MedGen C2676676, MONDO:0011450, OMIM 604370. Disease mechanism: loss of function.

Submission:

Brotman Baty Institute, University of Washington
No classification provided (evidence only). Condition: Breast-ovarian cancer, familial 1. Review status: no classification provided. Collection method: in vitro. Allele origin: not applicable. Functional consequence: functionally_normal.
ClinVar note: "not provided" was previously submitted as the classification for the variant. However, the classification appeared to be based only on an observation of functional data so it was converted to no classification on 2025-07-30.